The following is an entry in ClinVar:

ClinVar aggregate classification (germline): Likely benign. Review status: criteria provided, multiple submitters, no conflicts (2 of 4 stars). 3 submissions from 3 submitters: Likely benign (2). 1 of the submissions does not count toward it. Last evaluated 2025-11-30.

Conditions:
MSH3-related disorder. Also called: MSH3-related condition.

Allele frequency attached by ClinVar (database versions not stated): gnomAD 0.00001; gnomAD exomes 0.00001; TOPMed 0.00001; ESP Exome Variant Server 0.00008.
gnomAD v4.1: 25 of 1,613,832 alleles (0.0015%); highest among the groups gnomAD compares: Middle Eastern, 0.2%; no homozygotes.

Submissions (3):

Labcorp Genetics (formerly Invitae), Labcorp
Classification: Likely benign. Last evaluated: 2025-11-30. Review status: criteria provided, single submitter. Criteria: Invitae Variant Classification Sherloc (09022015). Collection method: clinical testing. Allele origin: germline.

Center for Genomic Medicine, Rigshospitalet, Copenhagen University Hospital
Classification: Likely benign. Last evaluated: 2025-03-04. Review status: criteria provided, single submitter. Criteria: ACMG Guidelines, 2015. Collection method: clinical testing. Allele origin: germline.

PreventionGenetics, part of Exact Sciences
Classification: Likely benign for MSH3-related condition. Last evaluated: 2019-02-26. Review status: no assertion criteria provided. Collection method: clinical testing. Allele origin: germline. Not counted in ClinVar's aggregate classification.
Comment: This variant is classified as likely benign based on ACMG/AMP sequence variant interpretation guidelines (Richards et al. 2015 PMID: 25741868, with internal and published modifications).

NM_002439.5(MSH3):c.2813+9G>A

Gene: MSH3 (mutS homolog 3; plus strand). Cytogenetic location: 5q14.1.
Variant type: single nucleotide variant.
Coding change: c.2813+9G>A on transcript NM_002439.5 (MANE Select); 9 bases into the intron after coding-DNA position 2813, G replaced by A.
Molecular consequence: intron variant.
Genome position (GRCh38, 1-based): chr5:80,813,750, G>A. VCF-style: chr5-80813750-G-A. GRCh37 (hg19) VCF-style: chr5-80109569-G-A.
Identifiers: ClinVar variation 758308 (VCV000758308.13), dbSNP rs369244653, ClinGen allele CA121307617.
Genomic context (GRCh38, chr5:80,813,750, plus strand): 5'-ATGTTCCTGCAGAAGAAGCGACAATTGGGATTGTGGATGGCATTTTCACAAGGTAAGTAC[G>A]TTAATTCAGCTTGCATATATTCTTGAAAATAAGTCAAGCCCACATTATCGCATGAATTTT-3'